The following is an entry in ClinVar:

ClinVar aggregate classification (germline): Pathogenic. Review status: criteria provided, multiple submitters, no conflicts (2 of 4 stars). 6 submissions from 6 submitters: Pathogenic (6). Last evaluated 2025-09-03.

Conditions:
PCDH19-related disorder. Also called: PCDH19-related condition.
Inborn genetic diseases. Identifiers: MedGen C0950123, MeSH D030342.
Developmental and epileptic encephalopathy, 9 (DEE9). Also called: JUBERG-HELLMAN SYNDROME; EPILEPSY, FEMALE-RESTRICTED, WITH MENTAL RETARDATION; Early infantile epileptic encephalopathy 9; PCDH19-Related X-Linked Female-Limited Epilepsy with Mental Retardation. Identifiers: Orphanet 101039, Orphanet 2076, MedGen C1848137, MONDO:0010246, OMIM 300088. Disease mechanism: loss of function.

Allele frequency attached by ClinVar (database versions not stated): gnomAD exomes below 0.00001.
gnomAD v4.1: 1 of 1,189,975 alleles (0.000084%); highest among the groups gnomAD compares: Non-Finnish European, 0.00011%; no homozygotes.

Submissions (6):

Labcorp Genetics (formerly Invitae), Labcorp
Classification: Pathogenic for Developmental and epileptic encephalopathy, 9. Last evaluated: 2025-09-03. Review status: criteria provided, single submitter. Criteria: Invitae Variant Classification Sherloc (09022015). Collection method: clinical testing. Allele origin: germline.
Comment: This sequence change creates a premature translational stop signal (p.Arg886*) in the PCDH19 gene. It is expected to result in an absent or disrupted protein product. Loss-of-function variants in PCDH19 are known to be pathogenic (PMID: 21053371). This variant is not present in population databases (gnomAD no frequency). This premature translational stop signal has been observed in individual(s) with generalized epilepsy with febrile seizures plus (PMID: 21053371). It has also been observed to segregate with disease in related individuals. ClinVar contains an entry for this variant (Variation ID: 206341). For these reasons, this variant has been classified as Pathogenic.

Genomic Medicine Center of Excellence, King Faisal Specialist Hospital and Research Centre
Classification: Pathogenic for Developmental and epileptic encephalopathy, 9. Last evaluated: 2024-03-25. Review status: criteria provided, single submitter. Criteria: ACMG Guidelines, 2015. Collection method: clinical testing. Allele origin: germline.

Blueprint Genetics
Classification: Pathogenic for PCDH19-related disorders. Last evaluated: 2022-11-01. Review status: criteria provided, single submitter. Criteria: ACMG Guidelines, 2015. Collection method: clinical testing. Allele origin: germline. Affected: yes. Observed: 1 variant allele.

GeneDx
Classification: Pathogenic. Last evaluated: 2019-10-14. Review status: criteria provided, single submitter. Criteria: GeneDx Variant Classification Process June 2021. Collection method: clinical testing. Allele origin: germline. Affected: yes.
Comment: Previously reported to segregate with epilepsy in several females from a single family who had febrile, generalized, and/or focal seizures, one of whom also had cognitive delay (Depienne et al., 2011); Nonsense variant predicted to result in protein truncation or nonsense mediated decay in a gene for which loss-of-function is a known mechanism of disease; Not observed in large population cohorts (Lek et al., 2016); This variant is associated with the following publications: (PMID: 23334464, 22267240, 25525159, 21053371, 27179713, 23712037, 22633638, 29377098)

Ambry Genetics
Classification: Pathogenic for Inborn genetic diseases. Last evaluated: 2019-06-14. Review status: criteria provided, single submitter. Criteria: Ambry Variant Classification Scheme 2023. Collection method: clinical testing. Allele origin: germline.
Comment: The p.R886* pathogenic mutation (also known as c.2656C>T), located in coding exon 4 of the PCDH19 gene, results from a C to T substitution at nucleotide position 2656. This changes the amino acid from an arginine to a stop codon within coding exon 4. This variant has been reported in 5 females with seizures, including one family with 4 affected women (Depienne C et al. Hum. Mutat., 2011 Jan;32:E1959-75; Smith L et al. Epilepsia, 2018 03;59:679-689). In addition to the clinical data presented in the literature, this alteration is expected to result in loss of function by premature protein truncation or nonsense-mediated mRNA decay. As such, this alteration is interpreted as a disease-causing mutation.

Athena Diagnostics
Classification: Pathogenic. Last evaluated: 2017-02-16. Review status: criteria provided, single submitter. Criteria: Athena Diagnostics Criteria. Collection method: clinical testing. Allele origin: germline.

Literature cited by the submitters: PubMed 21053371 (cited by 3 submitters); PubMed 29377098 (cited by Ambry Genetics); PubMed 23334464 (cited by Athena Diagnostics); PubMed 27179713 (cited by Athena Diagnostics); PubMed 23712037 (cited by Athena Diagnostics); PubMed 22267240 (cited by Athena Diagnostics).

NM_001184880.2(PCDH19):c.2656C>T (p.Arg886Ter)

Gene: PCDH19 (protocadherin 19; minus strand). Cytogenetic location: Xq22.1.
Variant type: single nucleotide variant.
Coding change: c.2656C>T on transcript NM_001184880.2 (MANE Select); coding-DNA position 2656, C replaced by T.
Protein change: p.Arg886Ter; replaces arginine 886 with a stop codon.
Molecular consequence: nonsense.
Genome position (GRCh38, 1-based): chrX:100,350,665, G>A on the plus strand (C>T on the coding strand, the complement: PCDH19 is on the minus strand). VCF-style: chrX-100350665-G-A. GRCh37 (hg19) VCF-style: chrX-99605663-G-A.
Other names: p.R839*:CGA>TGA; c.2515C>T, p.Arg839Ter (NM_001105243.2, NM_020766.3); short protein forms R839*, R886*.
Identifiers: ClinVar variation 206341 (VCV000206341.12), dbSNP rs756414485, ClinGen allele CA316377.
Genomic context (GRCh38, chrX:100,350,665, plus strand): 5'-ATCAAGCTTAGTTGCAGCAATAAGCAAGCAAACCAACATACCTCTTGATTAAATGGGCTC[G>A]GCTATTCACGTAGTTGGAGTCAAAAGAATAGTTTTCAGTCTGCAATGAGAAGAAAAAATT-3'